The following is an entry in ClinVar:

ClinVar aggregate classification (germline): Uncertain significance. Review status: criteria provided, multiple submitters, no conflicts (2 of 4 stars). 2 submissions from 2 submitters: Uncertain significance (2). Last evaluated 2024-01-11.

Conditions:
Hypertrophic cardiomyopathy. Also called: HYPERTROPHIC MYOCARDIOPATHY. Identifiers: Orphanet 217569, MedGen C0007194, MeSH D002312, MONDO:0005045, HP:0001639.
Cardiomyopathy (CMYO). Also called: Cardiomyopathies. Identifiers: Orphanet 167848, MedGen C0878544, MONDO:0004994, HP:0001638. Inheritance: Various modes of inheritance.

Allele frequency attached by ClinVar (database versions not stated): gnomAD exomes below 0.00001; gnomAD 0.00001.
gnomAD v4.1: 2 of 1,614,098 alleles (0.00012%); highest among the groups gnomAD compares: Non-Finnish European, 0.00017%; no homozygotes.

Submissions (2):

All of Us Research Program, National Institutes of Health
Classification: Uncertain significance for Cardiomyopathy. Last evaluated: 2024-01-11. Review status: criteria provided, single submitter. Criteria: ACMG Guidelines, 2015. Collection method: clinical testing. Allele origin: germline. Inheritance: Autosomal dominant inheritance. Observed: 1 variant allele, 1 heterozygote.
Comment: This study involves interpretation of variants in research participants for the purpose of population health screening. Participant phenotype was not available at the time of variant classification. Additional details can be found in publication PMID: 35346344, PMCID: PMC8962531

Labcorp Genetics (formerly Invitae), Labcorp
Classification: Uncertain significance for Hypertrophic cardiomyopathy. Last evaluated: 2022-02-05. Review status: criteria provided, single submitter. Criteria: Invitae Variant Classification Sherloc (09022015). Collection method: clinical testing. Allele origin: germline.
Comment: In summary, the available evidence is currently insufficient to determine the role of this variant in disease. Therefore, it has been classified as a Variant of Uncertain Significance. This variant is found within a region of MYH7 between codons 181 and 937 that contains the majority of the myosin head domain. Missense variants in this region have been shown to be significantly overrepresented in individuals with hypertrophic cardiomyopathy (PMID: 27532257). Algorithms developed to predict the effect of missense changes on protein structure and function (SIFT, PolyPhen-2, Align-GVGD) all suggest that this variant is likely to be disruptive. This variant has not been reported in the literature in individuals affected with MYH7-related conditions. This variant is not present in population databases (gnomAD no frequency). This sequence change replaces glycine, which is neutral and non-polar, with aspartic acid, which is acidic and polar, at codon 592 of the MYH7 protein (p.Gly592Asp).

Literature cited by the submitters: PubMed 27532257 (cited by Labcorp Genetics (formerly Invitae), Labcorp).

NM_000257.4(MYH7):c.1775G>A (p.Gly592Asp)

Gene: MYH7 (myosin heavy chain 7; minus strand). Cytogenetic location: 14q11.2.
Variant type: single nucleotide variant.
Coding change: c.1775G>A on transcript NM_000257.4 (MANE Select); coding-DNA position 1775, G replaced by A.
Protein change: p.Gly592Asp; replaces glycine 592 with aspartic acid.
Molecular consequence: missense variant.
Genome position (GRCh38, 1-based): chr14:23,427,698, C>T on the plus strand (G>A on the coding strand, the complement: MYH7 is on the minus strand). VCF-style: chr14-23427698-C-T. GRCh37 (hg19) VCF-style: chr14-23896907-C-T.
Other names: c.1775G>A, p.Gly592Asp (NM_001407004.1); short protein forms G592D.
Identifiers: ClinVar variation 2093519 (VCV002093519.5), dbSNP rs1566534030, ClinGen allele CA389049845.